The following is an entry in ClinVar:

ClinVar aggregate classification (germline): Conflicting classifications of pathogenicity. Review status: criteria provided, conflicting classifications (1 of 4 stars). 5 submissions from 5 submitters: Uncertain significance (1); Benign (1); Likely benign (2). 1 of the submissions does not count toward it. Last evaluated 2025-12-31.

Conditions:
CEP135-related disorder. Also called: CEP135-related condition.

Allele frequency attached by ClinVar (database versions not stated): gnomAD exomes 0.00022; ESP Exome Variant Server 0.00169; TOPMed 0.00214; gnomAD 0.00233 and 0.00248; 1000 Genomes Project 30x 0.00234; 1000 Genomes Project 0.00260.
gnomAD v4.1: 688 of 1,613,780 alleles (0.043%); highest among the groups gnomAD compares: African/African-American, 0.83%; 5 homozygotes.

Submissions (5):

Labcorp Genetics (formerly Invitae), Labcorp
Classification: Likely benign. Last evaluated: 2025-12-31. Review status: criteria provided, single submitter. Criteria: Invitae Variant Classification Sherloc (09022015). Collection method: clinical testing. Allele origin: germline.

GeneDx
Classification: Likely benign. Last evaluated: 2020-01-13. Review status: criteria provided, single submitter. Criteria: GeneDx Variant Classification Process June 2021. Collection method: clinical testing. Allele origin: germline. Affected: yes.

Eurofins Ntd Llc (ga)
Classification: Benign. Last evaluated: 2015-06-15. Review status: criteria provided, single submitter. Criteria: EGL Classification Definitions 2015. Collection method: clinical testing. Allele origin: germline. Observed: 1 variant allele, 1 heterozygote.

Genetic Services Laboratory, University of Chicago
Classification: Uncertain significance. Last evaluated: 2014-08-13. Review status: criteria provided, single submitter. Criteria: ACMG Guidelines, 2015. Collection method: clinical testing. Allele origin: germline.

PreventionGenetics, part of Exact Sciences
Classification: Likely benign for CEP135-related condition. Last evaluated: 2019-03-07. Review status: no assertion criteria provided. Collection method: clinical testing. Allele origin: germline. Not counted in ClinVar's aggregate classification.
Comment: This variant is classified as likely benign based on ACMG/AMP sequence variant interpretation guidelines (Richards et al. 2015 PMID: 25741868, with internal and published modifications).

NM_025009.5(CEP135):c.3265T>A (p.Leu1089Ile)

Gene: CEP135 (centrosomal protein 135; plus strand). Cytogenetic location: 4q12.
Variant type: single nucleotide variant.
Coding change: c.3265T>A on transcript NM_025009.5 (MANE Select); coding-DNA position 3265, T replaced by A.
Protein change: p.Leu1089Ile; replaces leucine 1089 with isoleucine.
Molecular consequence: missense variant.
Genome position (GRCh38, 1-based): chr4:56,020,725, T>A. VCF-style: chr4-56020725-T-A. GRCh37 (hg19) VCF-style: chr4-56886891-T-A.
Other names: short protein forms L1089I.
Identifiers: ClinVar variation 210681 (VCV000210681.24), dbSNP rs76659072, ClinGen allele CA205483.
Genomic context (GRCh38, chr4:56,020,725, plus strand): 5'-TTGTTTTTAAGAACTAGTCAAAGCCGGGAAAACACCATGCTTCGAGCTAAAGTGGCACAG[T>A]TACAAACAGATTATGATGCTCTGAAAAGGCAGATCTCAACTGAAAGATACGAACGGTAAG-3'
Protein context (NP_079285.2, residues 1079-1099): NTMLRAKVAQ[Leu1089Ile]QTDYDALKRQ